The following is an entry in ClinVar:

ClinVar aggregate classification (germline): Uncertain significance. Review status: criteria provided, multiple submitters, no conflicts (2 of 4 stars). 3 submissions from 3 submitters: Uncertain significance (3). Last evaluated 2024-12-18.

Conditions:
Hereditary cancer-predisposing syndrome. Also called: Neoplastic Syndromes, Hereditary; Tumor predisposition; Hereditary Cancer Syndrome; Hereditary neoplastic syndrome. Identifiers: Orphanet 140162, MedGen C0027672, MeSH D009386, MONDO:0015356.
Familial adenomatous polyposis 1 (FAP1). Also called: FAMILIAL ADENOMATOUS POLYPOSIS 1, ATTENUATED; POLYPOSIS, ADENOMATOUS INTESTINAL. Identifiers: MedGen C2713442, MONDO:0021056, OMIM 175100. Disease mechanism: loss of function.

Allele frequency attached by ClinVar (database versions not stated): gnomAD exomes below 0.00001.
gnomAD v4.1: 1 of 1,614,108 alleles (0.000062%); highest among the groups gnomAD compares: East Asian, 0.0022%; no homozygotes.

Submissions (3):

Ambry Genetics
Classification: Uncertain significance for Hereditary cancer-predisposing syndrome. Last evaluated: 2024-12-18. Review status: criteria provided, single submitter. Criteria: Ambry Variant Classification Scheme 2023. Collection method: clinical testing. Allele origin: germline.
Comment: The p.G618D variant (also known as c.1853G>A), located in coding exon 14 of the APC gene, results from a G to A substitution at nucleotide position 1853. The glycine at codon 618 is replaced by aspartic acid, an amino acid with similar properties. This amino acid position is conserved. In addition, in silico predictors for this gene do not accurately predict pathogenicity. Based on the available evidence, the clinical significance of this variant remains unclear.

Labcorp Genetics (formerly Invitae), Labcorp
Classification: Uncertain significance for Familial adenomatous polyposis 1. Last evaluated: 2024-01-06. Review status: criteria provided, single submitter. Criteria: Invitae Variant Classification Sherloc (09022015). Collection method: clinical testing. Allele origin: germline.
Comment: This sequence change replaces glycine, which is neutral and non-polar, with aspartic acid, which is acidic and polar, at codon 618 of the APC protein (p.Gly618Asp). This variant is not present in population databases (gnomAD no frequency). This variant has not been reported in the literature in individuals affected with APC-related conditions. ClinVar contains an entry for this variant (Variation ID: 926240). Advanced modeling of protein sequence and biophysical properties (such as structural, functional, and spatial information, amino acid conservation, physicochemical variation, residue mobility, and thermodynamic stability) performed at Invitae indicates that this missense variant is not expected to disrupt APC protein function with a negative predictive value of 95%. In summary, the available evidence is currently insufficient to determine the role of this variant in disease. Therefore, it has been classified as a Variant of Uncertain Significance.

Color Diagnostics, LLC DBA Color Health
Classification: Uncertain significance for Hereditary cancer-predisposing syndrome. Last evaluated: 2019-06-17. Review status: criteria provided, single submitter. Criteria: ACMG Guidelines, 2015. Collection method: clinical testing. Allele origin: germline.

NM_000038.6(APC):c.1853G>A (p.Gly618Asp)

Gene: APC (APC regulator of Wnt signaling pathway; plus strand). Cytogenetic location: 5q22.2.
Variant type: single nucleotide variant.
Coding change: c.1853G>A on transcript NM_000038.6 (MANE Select); coding-DNA position 1853, G replaced by A.
Protein change: p.Gly618Asp; replaces glycine 618 with aspartic acid.
Molecular consequence: missense variant.
Genome position (GRCh38, 1-based): chr5:112,835,060, G>A. VCF-style: chr5-112835060-G-A. GRCh37 (hg19) VCF-style: chr5-112170757-G-A.
Other names: c.1853G>A, p.Gly618Asp (NM_001127510.3, NM_001354895.2); c.1799G>A, p.Gly600Asp (NM_001127511.3); c.1907G>A, p.Gly636Asp (NM_001354896.2); c.1883G>A, p.Gly628Asp (NM_001354897.2); c.1778G>A, p.Gly593Asp (NM_001354898.2); c.1769G>A, p.Gly590Asp (NM_001354899.2); c.1730G>A, p.Gly577Asp (NM_001354900.2); c.1676G>A, p.Gly559Asp (NM_001354901.2); and 5 more; short protein forms G492D, G600D, G335D, G559D, G618D, G636D, G590D, G458D.
Identifiers: ClinVar variation 926240 (VCV000926240.6), dbSNP rs1445214425, ClinGen allele CA16025375.
Genomic context (GRCh38, chr5:112,835,060, plus strand): 5'-ATTGCACTGAGAATAAAGCTGATATATGTGCTGTAGATGGTGCACTTGCATTTTTGGTTG[G>A]CACTCTTACTTACCGGAGCCAGACAAACACTTTAGCCATTATTGAAAGTGGAGGTGGGAT-3'
Protein context (NP_000029.2, residues 608-628): AVDGALAFLV[Gly618Asp]TLTYRSQTNT